The following is an entry in ClinVar:

ClinVar aggregate classification (germline): Benign/Likely benign. Review status: criteria provided, multiple submitters, no conflicts (2 of 4 stars). 3 submissions from 3 submitters: Benign (1); Likely benign (2). Last evaluated 2019-12-31.

Allele frequency attached by ClinVar (database versions not stated): 1000 Genomes Project 30x 0.00062; 1000 Genomes Project 0.00079; TOPMed 0.00162; ESP Exome Variant Server 0.00189; gnomAD 0.00216 and 0.00224; gnomAD exomes 0.00264; ExAC 0.00267.
gnomAD v4.1: 3,335 of 1,206,993 alleles (0.28%); highest among the groups gnomAD compares: Non-Finnish European, 0.29%; 8 homozygotes.

Submissions (3):

Labcorp Genetics (formerly Invitae), Labcorp
Classification: Benign. Last evaluated: 2019-12-31. Review status: criteria provided, single submitter. Criteria: Invitae Variant Classification Sherloc (09022015). Collection method: clinical testing. Allele origin: germline.

Center for Pediatric Genomic Medicine, Children's Mercy Hospital and Clinics
Classification: Likely benign. Last evaluated: 2016-11-30. Review status: criteria provided, single submitter. Criteria: ACMG Guidelines, 2015. Collection method: clinical testing. Allele origin: germline.
ClinVar note: Converted during submission from Likely Benign to Likely benign.

Eurofins Ntd Llc (ga)
Classification: Likely benign. Last evaluated: 2014-11-25. Review status: criteria provided, single submitter. Criteria: EGL Classification Definitions 2015. Collection method: clinical testing. Allele origin: germline. Observed: 1 variant allele, 1 hemizygote.

NM_001289.6(CLIC2):c.478C>G (p.Pro160Ala)

Gene: CLIC2 (chloride intracellular channel 2; minus strand). Cytogenetic location: Xq28.
Variant type: single nucleotide variant.
Coding change: c.478C>G on transcript NM_001289.6 (MANE Select); coding-DNA position 478, C replaced by G.
Protein change: p.Pro160Ala; replaces proline 160 with alanine.
Molecular consequence: missense variant.
Genome position (GRCh38, 1-based): chrX:155,279,253, G>C on the plus strand (C>G on the coding strand, the complement: CLIC2 is on the minus strand). VCF-style: chrX-155279253-G-C. GRCh37 (hg19) VCF-style: chrX-154508542-G-C.
Other names: short protein forms P160A.
Identifiers: ClinVar variation 197724 (VCV000197724.11), dbSNP rs41304992, ClinGen allele CA203044.